The following is an entry in ClinVar:

Conditions:
Breast-ovarian cancer, familial, susceptibility to, 1 (BROVCA1). Also called: BRCA1 Hereditary Breast and Ovarian Cancer; OVARIAN CANCER, SUSCEPTIBILITY TO. Identifiers: Orphanet 145, MedGen C2676676, MONDO:0011450, OMIM 604370. Disease mechanism: loss of function.

Submission:

Brotman Baty Institute, University of Washington
No classification provided (evidence only). Condition: Breast-ovarian cancer, familial 1. Review status: no classification provided. Collection method: in vitro. Allele origin: not applicable. Functional consequence: functionally_normal.
ClinVar note: "not provided" was previously submitted as the classification for the variant. However, the classification appeared to be based only on an observation of functional data so it was converted to no classification on 2025-07-30.

NM_007294.4(BRCA1):c.5373G>C (p.Val1791=)

Gene: BRCA1 (BRCA1 DNA repair associated; minus strand). Cytogenetic location: 17q21.31.
Variant type: single nucleotide variant.
Coding change: c.5373G>C on transcript NM_007294.4 (MANE Select); coding-DNA position 5373, G replaced by C.
Protein change: p.Val1791=; no amino-acid change (valine 1791 retained).
Molecular consequence: synonymous variant. On other transcripts: intron variant (19).
Genome position (GRCh38, 1-based): chr17:43,049,154, C>G on the plus strand (G>C on the coding strand, the complement: BRCA1 is on the minus strand). VCF-style: chr17-43049154-C-G. GRCh37 (hg19) VCF-style: chr17-41201171-C-G.
Other names: c.5160G>C, p.Val1720= (NM_001407571.1, NM_001407894.1, NM_001407895.1 and 12 more transcripts); c.5439G>C, p.Val1813= (NM_001407581.1, NM_001407582.1); c.5436G>C, p.Val1812= (NM_001407583.1, NM_001407585.1, NM_001407587.1 and 1 more transcripts); c.5433G>C, p.Val1811= (NM_001407590.1, NM_001407591.1); c.5373G>C, p.Val1791= (NM_001407593.1, NM_001407594.1, NM_001407596.1 and 5 more transcripts); c.5370G>C, p.Val1790= (NM_001407610.1, NM_001407611.1, NM_001407612.1 and 14 more transcripts); c.5367G>C, p.Val1789= (NM_001407627.1, NM_001407628.1, NM_001407629.1 and 13 more transcripts); c.5364G>C, p.Val1788= (NM_001407644.1, NM_001407645.1); and 84 more.
Identifiers: ClinVar variation 868037 (VCV000868037.3), dbSNP rs2051083029, ClinGen allele CA500143297.
Genomic context (GRCh38, chr17:43,049,154, plus strand): 5'-CTCTCTGACAGGGCACCCAATACTTACTGTGCCAAGGGTGAATGATGAAAGCTCCTTCAC[C>G]ACAGAAGCACCACACAGCTGTACCATCCATTCCAGTTGATCTAAAATGGACATTTAGATG-3'
Protein context (NP_009225.1, residues 1781-1801): EWMVQLCGAS[Val1791=]VKELSSFTLG